The following is an entry in ClinVar:

NM_001267550.2(TTN):c.37616_37627+12del

Gene: TTN (titin; minus strand). Cytogenetic location: 2q31.2.
Variant type: Deletion.
Coding change: c.37616_37627+12del on transcript NM_001267550.2 (MANE Select); coding-DNA position 37616 through 12 bases into the intron after coding-DNA position 37627, 24 bases deleted (CACGTGCAAAAGGTATTTATTCCC).
Molecular consequence: splice donor variant. On other transcripts: intron variant (5).
Genome position (GRCh38, 1-based): chr2:178,658,456-178,658,479, GGGAATAAATACCTTTTGCACGTG deleted on the plus strand (CACGTGCAAAAGGTATTTATTCCC on the coding strand, the reverse complement: TTN is on the minus strand); deleting any 24 consecutive bases within chr2:178,658,456-178,658,482 gives the same sequence; the c. name uses the placement nearest the transcript's 3' end. VCF-style (leftmost placement, unchanged base first): chr2-178658455-AGGGAATAAATACCTTTTGCACGTG-A. GRCh37 (hg19) VCF-style: chr2-179523182-AGGGAATAAATACCTTTTGCACGTG-A.
Other names: c.13283-16162_13283-16139del (NM_003319.4); c.13859-16162_13859-16139del (NM_133437.4); c.13658-16162_13658-16139del (NM_133432.3); c.31741+526_31741+549del (NM_133378.4); c.34522+526_34522+549del (NM_001256850.1); c.37616_37627+12delCACGTGCAAAAGGTATTTATTCCC (NM_001267550.2).
Identifiers: ClinVar variation 570631 (VCV000570631.10), dbSNP rs1560149416, ClinGen allele CA891842634.

ClinVar aggregate classification (germline): Uncertain significance. Review status: criteria provided, multiple submitters, no conflicts (2 of 4 stars). 2 submissions from 2 submitters: Uncertain significance (2). Last evaluated 2022-04-04.

Conditions:
Autosomal recessive limb-girdle muscular dystrophy type 2J (LGMDR10). Also called: MUSCULAR DYSTROPHY, LIMB-GIRDLE, AUTOSOMAL RECESSIVE 10; Limb-girdle muscular dystrophy, type 2J. Identifiers: Orphanet 140922, MedGen C1837342, MONDO:0012127, OMIM 608807.
Dilated cardiomyopathy 1G (CMD1G). Identifiers: Orphanet 154, MedGen C1858763, MONDO:0011400, OMIM 604145.
Hypertrophic cardiomyopathy 9. Also called: Familial hypertrophic cardiomyopathy 9. Identifiers: MedGen C1861065, MONDO:0013412, OMIM 613765.
Tibial muscular dystrophy (TMD). Also called: Tibial muscular dystrophy, tardive; Udd Distal Myopathy – Tibial Muscular Dystrophy; UDD MYOPATHY. Identifiers: Orphanet 609, MedGen C1838244, MONDO:0010870, OMIM 600334.
Early-onset myopathy with fatal cardiomyopathy (CMYO5). Also called: CONGENITAL MYOPATHY 5 WITH CARDIOMYOPATHY; Salih Myopathy. Identifiers: Orphanet 289377, MedGen C2673677, MONDO:0012714, OMIM 611705. Disease mechanism: loss of function.
Myopathy, myofibrillar, 9, with early respiratory failure (MFM9). Also called: Myopathy, distal, with early respiratory failure, autosomal dominant; Hereditary myopathy with early respiratory failure; EDSTROM MYOPATHY; MYOPATHY, PROXIMAL, WITH EARLY RESPIRATORY MUSCLE INVOLVEMENT. Identifiers: Orphanet 178464, Orphanet 34521, MedGen C1863599, MONDO:0011362, OMIM 603689.

Submissions (2):

Fulgent Genetics
Classification: Uncertain significance for Tibial muscular dystrophy; Myopathy, myofibrillar, 9, with early respiratory failure; Dilated cardiomyopathy 1G; Autosomal recessive limb-girdle muscular dystrophy type 2J; Early-onset myopathy with fatal cardiomyopathy; Hypertrophic cardiomyopathy 9. Last evaluated: 2022-04-04. Review status: criteria provided, single submitter. Criteria: ACMG Guidelines, 2015. Collection method: clinical testing. Allele origin: unknown.

Labcorp Genetics (formerly Invitae), Labcorp
Classification: Uncertain significance for Dilated cardiomyopathy 1G; Autosomal recessive limb-girdle muscular dystrophy type 2J. Last evaluated: 2018-05-01. Review status: criteria provided, single submitter. Criteria: Invitae Variant Classification Sherloc (09022015). Collection method: clinical testing. Allele origin: germline.
Comment: This variant is located in the I band of TTN (PMID: 25589632). Truncating variants in this region have been shown to be highly prevalent in the general population and unaffected individuals (PMID: 26701604, 22335739). However, truncating variants in this region have also been reported in individuals affected with autosomal recessive centronuclear myopathy (PMID: 23975875). This sequence change removes the last nucleotide of exon 184, and affects a donor splice site in intron 184 of the TTN gene. It is expected to disrupt RNA splicing and/or create a premature translational stop signal, and although it is not anticipated to result in nonsense mediated decay, it is expected to create a truncated TTN protein. In summary, the available evidence is currently insufficient to determine the role of this variant in disease. Therefore, it has been classified as a Variant of Uncertain Significance. While this variant is not present in population databases, the frequency information is unreliable, as metrics indicate poor data quality at this position in the ExAC database. This variant has not been reported in the literature in individuals with TTN-related disease. Algorithms developed to predict the effect of sequence changes on RNA splicing suggest that this variant may disrupt the consensus splice site, but this prediction has not been confirmed by published transcriptional studies.

Literature cited by the submitters: PubMed 25589632 (cited by Labcorp Genetics (formerly Invitae), Labcorp); PubMed 26701604 (cited by Labcorp Genetics (formerly Invitae), Labcorp); PubMed 22335739 (cited by Labcorp Genetics (formerly Invitae), Labcorp); PubMed 23975875 (cited by Labcorp Genetics (formerly Invitae), Labcorp).